The following is an entry in ClinVar:

ClinVar aggregate classification (germline): Likely pathogenic (1 of 4 stars; one submission).

Conditions:
Spermatogenic failure 43. Identifiers: MedGen C5231490, MONDO:0032898, OMIM 618751.

Submission:

Juno Genomics, Hangzhou Juno Genomics, Inc
Classification: Likely pathogenic for Spermatogenic failure 43. Review status: criteria provided, single submitter. Criteria: ACMG Guidelines, 2015. Collection method: clinical testing. Allele origin: germline.
Comment: Absent from controls (or at extremely low frequency if recessive) in Genome Aggregation Database.;Null variant in a gene where loss of function (LOF) is a known mechanism of disease.

NM_024867.4(SPEF2):c.1976-2del

Gene: SPEF2 (sperm flagellar and cilia associated 2; plus strand). Cytogenetic location: 5p13.2.
Variant type: Deletion.
Coding change: c.1976-2del on transcript NM_024867.4 (MANE Select); the canonical splice acceptor site of the intron before coding-DNA position 1976, one base deleted (A; older notation c.1976-2delA).
Molecular consequence: splice acceptor variant.
Genome position (GRCh38, 1-based): chr5:35,695,733, A deleted. VCF-style (leftmost placement, unchanged base first): chr5-35695732-TA-T. GRCh37 (hg19) VCF-style: chr5-35695834-TA-T.
Identifiers: ClinVar variation 5019085 (VCV005019085.2).
Genomic context (GRCh38, chr5:35,695,732, plus strand): 5'-TACTGCTTTGGTTGTTAGGTGTAAATACCAGAAATTTGTTCTTACCACTTTTCCTATTGC[TA>T]GGTGCTAATGCTGATAAAACACCAAAAGCTGAAGAAGTCAAATCAAGTGATAGTTTCTTA-3'